The following is an entry in ClinVar:

NM_004333.6(BRAF):c.2084A>G (p.Glu695Gly)

Gene: BRAF (B-Raf proto-oncogene, serine/threonine kinase; minus strand). Cytogenetic location: 7q34.
Variant type: single nucleotide variant.
Coding change: c.2084A>G on transcript NM_004333.6 (MANE Select); coding-DNA position 2084, A replaced by G.
Protein change: p.Glu695Gly; replaces glutamic acid 695 with glycine.
Molecular consequence: missense variant.
Genome position (GRCh38, 1-based): chr7:140,739,855, T>C on the plus strand (A>G on the coding strand, the complement: BRAF is on the minus strand). VCF-style: chr7-140739855-T-C. GRCh37 (hg19) VCF-style: chr7-140439655-T-C.
Other names: c.2084A>G, p.Glu695Gly (NM_001354609.2, NM_001378468.1, NM_001378474.1); c.2204A>G, p.Glu735Gly (NM_001374244.1, NM_001374258.1); c.2093A>G, p.Glu698Gly (NM_001378467.1); c.2018A>G, p.Glu673Gly (NM_001378469.1); c.1982A>G, p.Glu661Gly (NM_001378470.1); c.1973A>G, p.Glu658Gly (NM_001378471.1); c.1928A>G, p.Glu643Gly (NM_001378472.1, NM_001378473.1); c.1820A>G, p.Glu607Gly (NM_001378475.1); short protein forms E661G, E673G, E698G, E695G, E607G, E643G, E658G, E735G.
Identifiers: ClinVar variation 2862009 (VCV002862009.3), dbSNP rs2130899611, ClinGen allele CA369538113.

ClinVar aggregate classification (germline): Uncertain significance (1 of 4 stars; one submission).

Conditions:
RASopathy. Also called: Noonan spectrum disorder; rasopathies. Identifiers: Orphanet 536391, MedGen C5555857, MONDO:0021060.

Submission:

Labcorp Genetics (formerly Invitae), Labcorp
Classification: Uncertain significance for RASopathy. Last evaluated: 2023-05-25. Review status: criteria provided, single submitter. Criteria: Invitae Variant Classification Sherloc (09022015). Collection method: clinical testing. Allele origin: germline.
Comment: Advanced modeling of protein sequence and biophysical properties (such as structural, functional, and spatial information, amino acid conservation, physicochemical variation, residue mobility, and thermodynamic stability) has been performed at Invitae for this missense variant, however the output from this modeling did not meet the statistical confidence thresholds required to predict the impact of this variant on BRAF protein function. In summary, the available evidence is currently insufficient to determine the role of this variant in disease. Therefore, it has been classified as a Variant of Uncertain Significance. This variant has not been reported in the literature in individuals affected with BRAF-related conditions. This variant is not present in population databases (gnomAD no frequency). This sequence change replaces glutamic acid, which is acidic and polar, with glycine, which is neutral and non-polar, at codon 695 of the BRAF protein (p.Glu695Gly).